The following is an entry in ClinVar:

NM_006662.3(SRCAP):c.7696C>T (p.Leu2566=)

Gene: SRCAP (Snf2 related CREBBP activator protein; plus strand). Cytogenetic location: 16p11.2.
Variant type: single nucleotide variant.
Coding change: c.7696C>T on transcript NM_006662.3 (MANE Select); coding-DNA position 7696, C replaced by T.
Protein change: p.Leu2566=; no amino-acid change (leucine 2566 retained).
Molecular consequence: synonymous variant.
Genome position (GRCh38, 1-based): chr16:30,737,736, C>T. VCF-style: chr16-30737736-C-T. GRCh37 (hg19) VCF-style: chr16-30749057-C-T.
Identifiers: ClinVar variation 2646406 (VCV002646406.24), dbSNP rs193056695, ClinGen allele CA8012533.

ClinVar aggregate classification (germline): Likely benign (1 of 4 stars; one submission).

Allele frequency attached by ClinVar (database versions not stated): 1000 Genomes Project 0.00020; ExAC 0.00001; gnomAD 0.00003; TOPMed 0.00004; 1000 Genomes Project 30x 0.00016.
gnomAD v4.1: 9 of 1,614,226 alleles (0.00056%); highest among the groups gnomAD compares: African/African-American, 0.008%; no homozygotes.

Submission:

CeGaT Center for Human Genetics Tuebingen
Classification: Likely benign. Last evaluated: 2023-03-01. Review status: criteria provided, single submitter. Criteria: CeGaT Center For Human Genetics Tuebingen Variant Classification Criteria Version 2. Collection method: clinical testing. Allele origin: germline. Affected: yes. Observed: 1 variant allele.
Comment: SRCAP: BP4, BP7